The following is an entry in ClinVar:

NM_004370.6(COL12A1):c.3814A>G (p.Lys1272Glu)

Gene: COL12A1 (collagen type XII alpha 1 chain; minus strand). Cytogenetic location: 6q13.
Variant type: single nucleotide variant.
Coding change: c.3814A>G on transcript NM_004370.6 (MANE Select); coding-DNA position 3814, A replaced by G.
Protein change: p.Lys1272Glu; replaces lysine 1272 with glutamic acid.
Molecular consequence: missense variant.
Genome position (GRCh38, 1-based): chr6:75,152,152, T>C on the plus strand (A>G on the coding strand, the complement: COL12A1 is on the minus strand). VCF-style: chr6-75152152-T-C. GRCh37 (hg19) VCF-style: chr6-75861868-T-C.
Other names: c.322A>G, p.Lys108Glu (NM_080645.3); short protein forms K1272E, K108E.
Identifiers: ClinVar variation 572912 (VCV000572912.10), dbSNP rs1562233846, ClinGen allele CA364749102.

ClinVar aggregate classification (germline): Uncertain significance. Review status: criteria provided, multiple submitters, no conflicts (2 of 4 stars). 2 submissions from 2 submitters: Uncertain significance (2). Last evaluated 2026-03-31.

Conditions:
Ullrich congenital muscular dystrophy 2 (UCMD2). Identifiers: Orphanet 75840, MedGen C4225314, MONDO:0014654, OMIM 616470.
Bethlem myopathy 2 (BTHLM2). Identifiers: Orphanet 536516, Orphanet 610, MedGen C4225313, MONDO:0034022, OMIM 616471.
Inborn genetic diseases. Identifiers: MedGen C0950123, MeSH D030342.

Allele frequency attached by ClinVar (database versions not stated): gnomAD exomes 0.00001.
gnomAD v4.1: 14 of 1,613,880 alleles (0.00087%); highest among the groups gnomAD compares: Non-Finnish European, 0.001%; no homozygotes.

Submissions (2):

Ambry Genetics
Classification: Uncertain significance for Inborn genetic diseases. Last evaluated: 2026-03-31. Review status: criteria provided, single submitter. Criteria: Ambry Variant Classification Scheme 2023. Collection method: clinical testing. Allele origin: germline.

Labcorp Genetics (formerly Invitae), Labcorp
Classification: Uncertain significance for Bethlem myopathy 2; Ullrich congenital muscular dystrophy 2. Last evaluated: 2024-05-09. Review status: criteria provided, single submitter. Criteria: Invitae Variant Classification Sherloc (09022015). Collection method: clinical testing. Allele origin: germline.
Comment: This sequence change replaces lysine, which is basic and polar, with glutamic acid, which is acidic and polar, at codon 1272 of the COL12A1 protein (p.Lys1272Glu). This variant is not present in population databases (gnomAD no frequency). This variant has not been reported in the literature in individuals affected with COL12A1-related conditions. ClinVar contains an entry for this variant (Variation ID: 572912). Advanced modeling of protein sequence and biophysical properties (such as structural, functional, and spatial information, amino acid conservation, physicochemical variation, residue mobility, and thermodynamic stability) has been performed at Invitae for this missense variant, however the output from this modeling did not meet the statistical confidence thresholds required to predict the impact of this variant on COL12A1 protein function. In summary, the available evidence is currently insufficient to determine the role of this variant in disease. Therefore, it has been classified as a Variant of Uncertain Significance.